The following is an entry in ClinVar:

ClinVar aggregate classification (germline): Uncertain significance (1 of 4 stars; one submission).

Conditions:
Cardiomyopathy (CMYO). Also called: Cardiomyopathies. Identifiers: Orphanet 167848, MedGen C0878544, MONDO:0004994, HP:0001638. Inheritance: Various modes of inheritance.

Allele frequency attached by ClinVar (database versions not stated): TOPMed below 0.00001; gnomAD 0.00001.

Submission:

Color Diagnostics, LLC DBA Color Health
Classification: Uncertain significance for Cardiomyopathy. Last evaluated: 2021-05-07. Review status: criteria provided, single submitter. Criteria: ACMG Guidelines, 2015. Collection method: clinical testing. Allele origin: germline.
Comment: This variant causes a G to A nucleotide substitution at the +5 position of intron 3 of the PKP2 gene. Splice site prediction tools predict that this variant may have a significant impact on RNA splicing. Although this prediction has not been confirmed in published RNA studies, this variant is expected to result in an absent or disrupted protein product. To our knowledge, functional studies have not been reported for this variant. This variant has not been reported in individuals affected with cardiovascular disorders in the literature. This variant has not been identified in the general population by the Genome Aggregation Database (gnomAD). The available evidence is insufficient to determine the role of this variant in disease conclusively. Therefore, this variant is classified as a Variant of Uncertain Significance.

NM_001005242.3(PKP2):c.1034+5G>A

Gene: PKP2 (plakophilin 2; minus strand). Cytogenetic location: 12p11.21.
Variant type: single nucleotide variant.
Coding change: c.1034+5G>A on transcript NM_001005242.3 (MANE Select); 5 bases into the intron after coding-DNA position 1034, G replaced by A.
Molecular consequence: intron variant.
Genome position (GRCh38, 1-based): chr12:32,877,841, C>T on the plus strand (G>A on the coding strand, the complement: PKP2 is on the minus strand). VCF-style: chr12-32877841-C-T. GRCh37 (hg19) VCF-style: chr12-33030775-C-T.
Other names: c.1034+5G>A (NM_004572.4).
Identifiers: ClinVar variation 1332618 (VCV001332618.2), dbSNP rs1956944743, ClinGen allele CA946315508.
Genomic context (GRCh38, chr12:32,877,841, plus strand): 5'-TGTCAGGGCTGTGGGAACAGAATGTGCTGGCAATGACTGAACTGCAGAGTCAGGAGGGGA[C>T]TTACCCCAGCTGGGAGTCAGTGAAAGTGCTTCTCTCAGTGAGCAGATTCCCACTTCCCCC-3'